The following is an entry in ClinVar:

ClinVar aggregate classification (germline): Conflicting classifications of pathogenicity. Review status: criteria provided, conflicting classifications (1 of 4 stars). 5 submissions from 5 submitters: Pathogenic (1); Likely pathogenic (1); Uncertain significance (1). 2 of the submissions do not count toward it. Last evaluated 2026-06-10.

Conditions:
CCND2-related disorder. Also called: CCND2-related condition.
Megalencephaly-polymicrogyria-polydactyly-hydrocephalus syndrome 3 (MPPH3). Identifiers: Orphanet 83473, MedGen C4014742, MONDO:0014408, OMIM 615938.

Submissions (5):

Institute of Medical Genetics, University of Zurich
Classification: Likely pathogenic for Megalencephaly-polymicrogyria-polydactyly-hydrocephalus syndrome 3. Last evaluated: 2026-06-10. Review status: criteria provided, single submitter. Criteria: ACMG Guidelines, 2015. Collection method: clinical testing. Allele origin: de novo. Inheritance: Autosomal dominant inheritance. Affected: yes. Observed: 1 variant allele.
Comment: The missense variant c.842C>G (p.(Pro281Arg)) in the CCND2 gene (NM_001759.4) affects a highly conserved amino acid residue, and multiple in silico prediction tools support a deleterious effect on protein function. The variant has previously been reported in individuals with autosomal dominant megalencephaly-polymicrogyria-polydactyly-hydrocephalus syndrome 3 (MPPH3; OMIM #615938; PMID: 24705253, 31957131). In addition, another variant affecting the same amino acid residue, p.(Pro281Leu), has been reported in individuals with MPPH. The c.842C>G is absent from population databases (gnomAD v2.1.1) and has been reported previously in ClinVar (Variation ID 143985; VCV000143985). Segregation analysis demonstrated that the variant was absent in both parents, consistent with a de novo occurrence. Taken together, these findings support a classification as likely pathogenic (ACMG criteria: PS2, PM2, PP3).

PreventionGenetics, part of Exact Sciences
Classification: Uncertain significance for CCND2-related condition. Last evaluated: 2023-01-15. Review status: criteria provided, single submitter. Criteria: ACMG Guidelines, 2015. Collection method: clinical testing. Allele origin: germline.
Comment: The CCND2 c.842C>G variant is predicted to result in the amino acid substitution p.Pro281Arg. This variant, as well as additional variants at the same amino acid (p.Pro281Ser, p.Pro281Leu, and p.Pro281Ala) have been been documented in individuals with megalencephaly-polymicrogyria-polydactyly-hydrocephalus syndrome (MPPH) (Mirzaa et al. 2014. PubMed ID:24705253; Supplementary Table 3, Patient 21, Helbig et al. 2016. PubMed ID: 26795593; Sameshima et al. 2020. PubMed ID: 31957131). Of note, these variants were documented as de novo in some cases (Mirzaa et al. 2014. PubMed ID:24705253; Supplementary Table 3, Patient 21, Helbig et al. 2016. PubMed ID: 26795593) and in others inheritance was not noted or not determined. This variant has not been reported in a large population database, indicating this variant is rare. While this variant may be causative, given the mosaic nature, the clinical significance of this variant is uncertain due to the absence of conclusive functional and genetic evidence.

Labcorp Genetics (formerly Invitae), Labcorp
Classification: Pathogenic. Last evaluated: 2020-03-21. Review status: criteria provided, single submitter. Criteria: Invitae Variant Classification Sherloc (09022015). Collection method: clinical testing. Allele origin: germline.
Comment: For these reasons, this variant has been classified as Pathogenic. This variant has been reported to affect CCND2 protein function (PMID: 24705253). This sequence change replaces proline with arginine at codon 281 of the CCND2 protein (p.Pro281Arg). The proline residue is highly conserved and there is a moderate physicochemical difference between proline and arginine. This variant is not present in population databases (ExAC no frequency). This variant has been observed in individual(s) with clinical features of megalencephaly-polymicrogyria-polydactyly-hydrocephalus (MPPH) syndrome (PMID: 24705253, Invitae). In at least one individual the variant was observed to be de novo. ClinVar contains an entry for this variant (Variation ID: 143985).

OMIM
Classification: Pathogenic for MEGALENCEPHALY-POLYMICROGYRIA-POLYDACTYLY-HYDROCEPHALUS SYNDROME 3. Last evaluated: 2014-05-01. Review status: no assertion criteria provided. Collection method: literature only. Allele origin: germline. Not counted in ClinVar's aggregate classification.

GeneReviews
No classification provided. Condition: Megalencephaly-polymicrogyria-polydactyly-hydrocephalus syndrome 3. Review status: no classification provided. Collection method: literature only. Allele origin: germline. Affected: yes. Not counted in ClinVar's aggregate classification.

Literature cited by the submitters: PubMed 24705253 (cited by 3 submitters); PubMed 31957131 (cited by Institute of Medical Genetics, University of Zurich); NCBI Bookshelf NBK396098 (cited by GeneReviews).

NM_001759.4(CCND2):c.842C>G (p.Pro281Arg)

Gene: CCND2 (cyclin D2; plus strand). Cytogenetic location: 12p13.32.
Variant type: single nucleotide variant.
Coding change: c.842C>G on transcript NM_001759.4 (MANE Select); coding-DNA position 842, C replaced by G.
Protein change: p.Pro281Arg; replaces proline 281 with arginine.
Molecular consequence: missense variant.
Genome position (GRCh38, 1-based): chr12:4,299,981, C>G. VCF-style: chr12-4299981-C-G. GRCh37 (hg19) VCF-style: chr12-4409147-C-G.
Other names: short protein forms P281R.
Identifiers: ClinVar variation 143985 (VCV000143985.13), dbSNP rs587777622, ClinGen allele CA170554.